The following is an entry in ClinVar:

ClinVar aggregate classification (germline): Conflicting classifications of pathogenicity. Review status: criteria provided, conflicting classifications (1 of 4 stars). 3 submissions from 3 submitters: Uncertain significance (2); Likely benign (1). Last evaluated 2024-04-23.

Conditions:
Combined oxidative phosphorylation defect type 17. Also called: Combined oxidative phosphorylation deficiency 17. Identifiers: Orphanet 369913, MedGen C3809526, MONDO:0014190, OMIM 615440.

Allele frequency attached by ClinVar (database versions not stated): TOPMed below 0.00001; gnomAD 0.00001; ExAC 0.00002; 1000 Genomes Project 0.00040; 1000 Genomes Project 30x 0.00047.
gnomAD v4.1: 14 of 1,611,378 alleles (0.00087%); highest among the groups gnomAD compares: Admixed American, 0.018%; no homozygotes.

Submissions (3):

GeneDx
Classification: Uncertain significance. Last evaluated: 2024-04-23. Review status: criteria provided, single submitter. Criteria: GeneDx Variant Classification Process June 2021. Collection method: clinical testing. Allele origin: germline. Affected: yes.
Comment: Not observed at significant frequency in large population cohorts (gnomAD); In silico analysis indicates that this missense variant does not alter protein structure/function; Has not been previously published as pathogenic or benign to our knowledge

CeGaT Center for Human Genetics Tuebingen
Classification: Likely benign. Last evaluated: 2022-08-01. Review status: criteria provided, single submitter. Criteria: CeGaT Center For Human Genetics Tuebingen Variant Classification Criteria Version 2. Collection method: clinical testing. Allele origin: germline. Affected: yes. Observed: 1 variant allele.
Comment: ELAC2: BP4

Labcorp Genetics (formerly Invitae), Labcorp
Classification: Uncertain significance for Combined oxidative phosphorylation defect type 17. Last evaluated: 2022-05-03. Review status: criteria provided, single submitter. Criteria: Invitae Variant Classification Sherloc (09022015). Collection method: clinical testing. Allele origin: germline.
Comment: This sequence change replaces lysine, which is basic and polar, with arginine, which is basic and polar, at codon 784 of the ELAC2 protein (p.Lys784Arg). This variant is present in population databases (rs200827637, gnomAD 0.009%). This variant has not been reported in the literature in individuals affected with ELAC2-related conditions. Algorithms developed to predict the effect of missense changes on protein structure and function output the following: SIFT: "Tolerated"; PolyPhen-2: "Benign"; Align-GVGD: "Class C0". The arginine amino acid residue is found in multiple mammalian species, which suggests that this missense change does not adversely affect protein function. In summary, the available evidence is currently insufficient to determine the role of this variant in disease. Therefore, it has been classified as a Variant of Uncertain Significance.

NM_018127.7(ELAC2):c.2351A>G (p.Lys784Arg)

Gene: ELAC2 (elaC ribonuclease Z 2; minus strand). Cytogenetic location: 17p12.
Variant type: single nucleotide variant.
Coding change: c.2351A>G on transcript NM_018127.7 (MANE Select); coding-DNA position 2351, A replaced by G.
Protein change: p.Lys784Arg; replaces lysine 784 with arginine.
Molecular consequence: missense variant.
Genome position (GRCh38, 1-based): chr17:12,992,948, T>C on the plus strand (A>G on the coding strand, the complement: ELAC2 is on the minus strand). VCF-style: chr17-12992948-T-C. GRCh37 (hg19) VCF-style: chr17-12896265-T-C.
Other names: c.2231A>G, p.Lys744Arg (NM_001165962.2); c.2348A>G, p.Lys783Arg (NM_173717.2); c.2351A>G (NM_018127.6); short protein forms K783R, K744R, K784R.
Identifiers: ClinVar variation 2076094 (VCV002076094.26), dbSNP rs200827637, ClinGen allele CA8400825.